The following is an entry in ClinVar:

ClinVar aggregate classification (germline): Likely pathogenic (1 of 4 stars; one submission).

Conditions:
Stuve-Wiedemann syndrome (STWS). Also called: Stüve-Wiedemann syndrome. Identifiers: Orphanet 3206, MedGen C0796176, MONDO:0031280.

Submission:

Natera, Inc.
Classification: Likely pathogenic for Stuve-Wiedemann syndrome. Last evaluated: 2025-07-10. Review status: criteria provided, single submitter. Criteria: Natera Variant Classification Schema (03/2026). Collection method: clinical testing. Allele origin: germline.
Comment: The c.2090dup variant in LIFR is a frameshift variant predicted to shift the reading frame and introduce a stop codon. This variant is expected to result in nonsense mediated decay, truncation, or a dysfunctional protein product. This variant is rare in the general population with a frequency below the threshold expected for the associated phenotype(s). Given the available evidence, this variant is classified as Likely Pathogenic.

NM_001127671.2(LIFR):c.2090dup (p.Tyr697Ter)

Gene: LIFR (LIF receptor subunit alpha; minus strand). Cytogenetic location: 5p13.1.
Variant type: Duplication.
Coding change: c.2090dup on transcript NM_001127671.2 (MANE Select); coding-DNA position 2090, one base duplicated (A; older notation c.2090dupA).
Protein change: p.Tyr697Ter; replaces tyrosine 697 with a stop codon.
Molecular consequence: nonsense.
Genome position (GRCh38, 1-based): chr5:38,490,267, T duplicated on the plus strand (A on the coding strand, the reverse complement: LIFR is on the minus strand). VCF-style (leftmost placement, unchanged base first): chr5-38490266-A-AT. GRCh37 (hg19) VCF-style: chr5-38490368-A-AT.
Other names: c.2090dup, p.Tyr697Ter (NM_001364297.2, NM_001364298.2, NM_002310.6); short protein forms Y697*.
Identifiers: ClinVar variation 4815020 (VCV004815020.1).
Genomic context (GRCh38, chr5:38,490,266, plus strand): 5'-TCCAATCATGGAGCGTAATAATTGATATCCTTGATTTCTGCATCCATACAGGAAAAAATT[A>AT]TATCTTATACCTGGTCGAAACTCATCTATAGGATGAACATATCAGCAAACTTTCATAAAT-3'